The following is an entry in ClinVar:

ClinVar aggregate classification (germline): Uncertain significance (1 of 4 stars; one submission).

Allele frequency attached by ClinVar (database versions not stated): ExAC 0.00001; gnomAD 0.00001; gnomAD exomes 0.00002; TOPMed 0.00002.
gnomAD v4.1: 25 of 1,613,114 alleles (0.0015%); highest among the groups gnomAD compares: South Asian, 0.0044%; no homozygotes.

Submission:

Labcorp Genetics (formerly Invitae), Labcorp
Classification: Uncertain significance. Last evaluated: 2024-02-19. Review status: criteria provided, single submitter. Criteria: Invitae Variant Classification Sherloc (09022015). Collection method: clinical testing. Allele origin: germline.
Comment: This sequence change replaces aspartic acid, which is acidic and polar, with asparagine, which is neutral and polar, at codon 490 of the DSG1 protein (p.Asp490Asn). This variant is present in population databases (rs750427281, gnomAD 0.003%). This variant has not been reported in the literature in individuals affected with DSG1-related conditions. Advanced modeling of protein sequence and biophysical properties (such as structural, functional, and spatial information, amino acid conservation, physicochemical variation, residue mobility, and thermodynamic stability) performed at Invitae indicates that this missense variant is not expected to disrupt DSG1 protein function with a negative predictive value of 80%. In summary, the available evidence is currently insufficient to determine the role of this variant in disease. Therefore, it has been classified as a Variant of Uncertain Significance.

NM_001942.4(DSG1):c.1468G>A (p.Asp490Asn)

Gene: DSG1 (desmoglein 1; plus strand). Cytogenetic location: 18q12.1.
Variant type: single nucleotide variant.
Coding change: c.1468G>A on transcript NM_001942.4 (MANE Select); coding-DNA position 1468, G replaced by A.
Protein change: p.Asp490Asn; replaces aspartic acid 490 with asparagine.
Molecular consequence: missense variant.
Genome position (GRCh38, 1-based): chr18:31,339,806, G>A. VCF-style: chr18-31339806-G-A. GRCh37 (hg19) VCF-style: chr18-28919769-G-A.
Other names: short protein forms D490N.
Identifiers: ClinVar variation 2886052 (VCV002886052.3), dbSNP rs750427281, ClinGen allele CA8926095.
Genomic context (GRCh38, chr18:31,339,806, plus strand): 5'-AATCTTCAAAGAACTTGCACTGGTACAATTAATATTAACATTCAAAGTTTTGGTAATGAC[G>A]ACAGGACTAATACAGAGCCGAACACTAAAATTACTACCAATACTGGCAGACAAGAAAGTA-3'
Protein context (NP_001933.2, residues 480-500): NINIQSFGND[Asp490Asn]RTNTEPNTKI